The following is an entry in ClinVar:

NM_001330332.2(CD70):c.584G>T (p.Cys195Phe)

Gene: CD70 (CD70 molecule; minus strand). Cytogenetic location: 19p13.3.
Variant type: single nucleotide variant.
Coding change: c.584G>T on transcript NM_001330332.2; coding-DNA position 584, G replaced by T.
Protein change: p.Cys195Phe; replaces cysteine 195 with phenylalanine.
Molecular consequence: missense variant.
Genome position (GRCh38, 1-based): chr19:6,583,343, C>A on the plus strand (G>T on the coding strand, the complement: CD70 is on the minus strand). VCF-style: chr19-6583343-C-A. GRCh37 (hg19) VCF-style: chr19-6583354-C-A.
Other names: short protein forms C195F.
Identifiers: ClinVar variation 4977076 (VCV004977076.1).
Genomic context (GRCh38, chr19:6,583,343, plus strand): 5'-AACTTTGGACAGATGACTCAACGGTTTACGCCTCTGTTTTCCTCATCTGTGAAATGGGAA[C>A]AATGATGATTCCTCCAGCTTTGTAGGGCTTGCATGAACACGAGCTGAGTTAATGGGATAA-3'

ClinVar aggregate classification (germline): Uncertain significance (1 of 4 stars; one submission).

Conditions:
CD70-related disorder. Also called: CD70-related condition.

gnomAD v4.1: 11 of 701,098 alleles (0.0016%); highest among the groups gnomAD compares: Non-Finnish European, 0.0026%; no homozygotes.

Submission:

PreventionGenetics, part of Exact Sciences
Classification: Uncertain significance for CD70-related condition. Last evaluated: 2026-06-16. Review status: criteria provided, single submitter. Criteria: ACMG Guidelines, 2015. Collection method: clinical testing. Allele origin: germline.
Comment: The CD70 c.584G>T variant is predicted to result in the amino acid substitution p.Cys195Phe. To our knowledge, this variant has not been reported in the literature. This variant is reported in 0.0063% of alleles in individuals of European (Non-Finnish) descent in gnomAD. At this time, the clinical significance of this variant is uncertain due to the absence of conclusive functional and genetic evidence.